The following is an entry in ClinVar:

NM_018245.3(OGDHL):c.1861+7T>C

Gene: OGDHL (oxoglutarate dehydrogenase L; minus strand). Cytogenetic location: 10q11.23.
Variant type: single nucleotide variant.
Coding change: c.1861+7T>C on transcript NM_018245.3 (MANE Select); 7 bases into the intron after coding-DNA position 1861, T replaced by C.
Molecular consequence: intron variant.
Genome position (GRCh38, 1-based): chr10:49,743,987, A>G on the plus strand (T>C on the coding strand, the complement: OGDHL is on the minus strand). VCF-style: chr10-49743987-A-G. GRCh37 (hg19) VCF-style: chr10-50952033-A-G.
Other names: c.1861+7T>C (NM_018245.2, NM_001347819.1); c.1234+7T>C (NM_001347822.1, NM_001143997.2, NM_001347821.2); c.1690+7T>C (NM_001347820.1, NM_001143996.2); c.664+7T>C (NM_001347826.1); c.1681+7T>C (NM_001347823.1, NM_001347824.2); c.1054+7T>C (NM_001347825.2).
Identifiers: ClinVar variation 774681 (VCV000774681.31), dbSNP rs41281981, ClinGen allele CA5498399.

ClinVar aggregate classification (germline): Benign/Likely benign. Review status: criteria provided, multiple submitters, no conflicts (2 of 4 stars). 5 submissions from 5 submitters: Benign (2); Likely benign (2). 1 of the submissions does not count toward it. Last evaluated 2025-08-18.

Conditions:
OGDHL-related disorder. Also called: OGDHL-related condition.

Allele frequency attached by ClinVar (database versions not stated): gnomAD exomes 0.00678 and 0.00856; gnomAD 0.00701 and 0.00728; ESP Exome Variant Server 0.00877; 1000 Genomes Project 30x 0.00531; 1000 Genomes Project 0.00539; ExAC 0.00652; TOPMed 0.00667.
gnomAD v4.1: 13,498 of 1,611,570 alleles (0.84%); highest among the groups gnomAD compares: Middle Eastern, 1.2%; 67 homozygotes.

Submissions (5):

Genomic Medicine Center of Excellence, King Faisal Specialist Hospital and Research Centre
Classification: Likely benign. Last evaluated: 2025-08-18. Review status: criteria provided, single submitter. Criteria: ACMG Guidelines, 2015. Collection method: clinical testing. Allele origin: germline.

CeGaT Center for Human Genetics Tuebingen
Classification: Likely benign. Last evaluated: 2025-05-01. Review status: criteria provided, single submitter. Criteria: CeGaT Center For Human Genetics Tuebingen Variant Classification Criteria Version 2. Collection method: clinical testing. Allele origin: germline. Affected: yes. Observed: 7 variant alleles.
Comment: OGDHL: BP4, BS2

Labcorp Genetics (formerly Invitae), Labcorp
Classification: Benign. Last evaluated: 2019-12-31. Review status: criteria provided, single submitter. Criteria: Invitae Variant Classification Sherloc (09022015). Collection method: clinical testing. Allele origin: germline.

Breakthrough Genomics
Classification: Benign. Review status: criteria provided, single submitter. Criteria: ACMG Guidelines, 2015. Collection method: not provided. Allele origin: germline. Inheritance: Autosomal recessive inheritance. Affected: yes.

PreventionGenetics, part of Exact Sciences
Classification: Benign for OGDHL-related condition. Last evaluated: 2019-05-31. Review status: no assertion criteria provided. Collection method: clinical testing. Allele origin: germline. Not counted in ClinVar's aggregate classification.
Comment: This variant is classified as benign based on ACMG/AMP sequence variant interpretation guidelines (Richards et al. 2015 PMID: 25741868, with internal and published modifications).